The following is an entry in ClinVar:

NM_019066.5(MAGEL2):c.1099G>A (p.Gly367Ser)

Gene: MAGEL2 (MAGE family member L2; minus strand). Cytogenetic location: 15q11.2.
Variant type: single nucleotide variant.
Coding change: c.1099G>A on transcript NM_019066.5 (MANE Select); coding-DNA position 1099, G replaced by A.
Protein change: p.Gly367Ser; replaces glycine 367 with serine.
Molecular consequence: missense variant.
Genome position (GRCh38, 1-based): chr15:23,646,644, C>T on the plus strand (G>A on the coding strand, the complement: MAGEL2 is on the minus strand). VCF-style: chr15-23646644-C-T. GRCh37 (hg19) VCF-style: chr15-23891791-C-T.
Other names: c.1099G>A (NM_019066.4); short protein forms G367S.
Identifiers: ClinVar variation 4754748 (VCV004754748.2).

ClinVar aggregate classification (germline): Uncertain significance. Review status: criteria provided, multiple submitters, no conflicts (2 of 4 stars). 2 submissions from 2 submitters: Uncertain significance (2). Last evaluated 2026-02-17.

Conditions:
MAGEL2-related disorder. Also called: MAGEL2-related condition.

Submissions (2):

PreventionGenetics, part of Exact Sciences
Classification: Uncertain significance for MAGEL2-related condition. Last evaluated: 2026-02-17. Review status: criteria provided, single submitter. Criteria: ACMG Guidelines, 2015. Collection method: clinical testing. Allele origin: germline.
Comment: The MAGEL2 c.1099G>A variant is predicted to result in the amino acid substitution p.Gly367Ser. To our knowledge, this variant has not been reported in the literature. This variant is reported in 0.0% of alleles in individuals of African descent in gnomAD. At this time, the clinical significance of this variant is uncertain due to the absence of conclusive functional and genetic evidence.

Labcorp Genetics (formerly Invitae), Labcorp
Classification: Uncertain significance. Last evaluated: 2025-02-11. Review status: criteria provided, single submitter. Criteria: Invitae Variant Classification Sherloc (09022015). Collection method: clinical testing. Allele origin: germline.
Comment: This sequence change replaces glycine, which is neutral and non-polar, with serine, which is neutral and polar, at codon 367 of the MAGEL2 protein (p.Gly367Ser). This variant is not present in population databases (gnomAD no frequency). This variant has not been reported in the literature in individuals affected with MAGEL2-related conditions. Experimental studies and prediction algorithms are not available or were not evaluated, and the functional significance of this variant is currently unknown. In summary, the available evidence is currently insufficient to determine the role of this variant in disease. Therefore, it has been classified as a Variant of Uncertain Significance.